The following is an entry in ClinVar:

NM_001042492.3(NF1):c.4531C>G (p.Leu1511Val)

Gene: NF1 (neurofibromin 1; plus strand). Cytogenetic location: 17q11.2.
Variant type: single nucleotide variant.
Coding change: c.4531C>G on transcript NM_001042492.3 (MANE Select); coding-DNA position 4531, C replaced by G.
Protein change: p.Leu1511Val; replaces leucine 1511 with valine.
Molecular consequence: missense variant.
Genome position (GRCh38, 1-based): chr17:31,260,469, C>G. VCF-style: chr17-31260469-C-G. GRCh37 (hg19) VCF-style: chr17-29587487-C-G.
Other names: c.4468C>G, p.Leu1490Val (NM_000267.4); short protein forms L1490V, L1511V.
Identifiers: ClinVar variation 1007821 (VCV001007821.5), dbSNP rs2067665189, ClinGen allele CA398999714.

ClinVar aggregate classification (germline): Uncertain significance (1 of 4 stars; one submission).

Conditions:
Neurofibromatosis, type 1 (NF1). Also called: NEUROFIBROMATOSIS, TYPE I, SOMATIC; Peripheral type neurofibromatosis; VON RECKLINGHAUSEN DISEASE; Neurofibromatosis, type I. Identifiers: Orphanet 636, MedGen C0027831, MONDO:0018975, OMIM 162200. Disease mechanism: loss of function.

Submission:

Labcorp Genetics (formerly Invitae), Labcorp
Classification: Uncertain significance for Neurofibromatosis, type 1. Last evaluated: 2024-03-28. Review status: criteria provided, single submitter. Criteria: Invitae Variant Classification Sherloc (09022015). Collection method: clinical testing. Allele origin: germline.
Comment: This sequence change replaces leucine, which is neutral and non-polar, with valine, which is neutral and non-polar, at codon 1490 of the NF1 protein (p.Leu1490Val). This variant is not present in population databases (gnomAD no frequency). This variant has not been reported in the literature in individuals affected with NF1-related conditions. ClinVar contains an entry for this variant (Variation ID: 1007821). Advanced modeling of protein sequence and biophysical properties (such as structural, functional, and spatial information, amino acid conservation, physicochemical variation, residue mobility, and thermodynamic stability) performed at Invitae indicates that this missense variant is expected to disrupt NF1 protein function with a positive predictive value of 95%. In summary, the available evidence is currently insufficient to determine the role of this variant in disease. Therefore, it has been classified as a Variant of Uncertain Significance.